The following is an entry in ClinVar:

NM_000611.6(CD59):c.232C>T (p.Arg78Cys)

Gene: CD59 (CD59 molecule (CD59 blood group); minus strand). Cytogenetic location: 11p13.
Variant type: single nucleotide variant.
Coding change: c.232C>T on transcript NM_000611.6 (MANE Select); coding-DNA position 232, C replaced by T.
Protein change: p.Arg78Cys; replaces arginine 78 with cysteine.
Molecular consequence: missense variant.
Genome position (GRCh38, 1-based): chr11:33,710,281, G>A on the plus strand (C>T on the coding strand, the complement: CD59 is on the minus strand). VCF-style: chr11-33710281-G-A. GRCh37 (hg19) VCF-style: chr11-33731827-G-A.
Other names: c.232C>T, p.Arg78Cys (NM_001127223.1, NM_001127225.2, NM_001127226.2 and 4 more transcripts); short protein forms R78C.
Identifiers: ClinVar variation 1163338 (VCV001163338.7), dbSNP rs146075291, ClinGen allele CA5940731.
Genomic context (GRCh38, chr11:33,710,281, plus strand): 5'-CGTTAAAGTTACACAGGTCCTTCTTGCAGCAGTAGTACGTTAGCTCATTTTCCCTCAAGC[G>A]GGTTGTGACGTCGTTGAAATTGCAATGCTCAAACTTCCAACACTTGTTATACACTTGTAA-3'
Protein context (NP_000602.1, residues 68-88): EHCNFNDVTT[Arg78Cys]LRENELTYYC

ClinVar aggregate classification (germline): Uncertain significance. Review status: criteria provided, multiple submitters, no conflicts (2 of 4 stars). 2 submissions from 2 submitters: Uncertain significance (2). Last evaluated 2022-07-06.

Allele frequency attached by ClinVar (database versions not stated): gnomAD exomes below 0.00001 and 0.00001; ExAC 0.00001; gnomAD 0.00001; 1000 Genomes Project 30x 0.00016; 1000 Genomes Project 0.00020.
gnomAD v4.1: 3 of 1,614,134 alleles (0.00019%); highest among the groups gnomAD compares: Non-Finnish European, 0.00017%; no homozygotes.

Submissions (2):

Labcorp Genetics (formerly Invitae), Labcorp
Classification: Uncertain significance. Last evaluated: 2022-07-06. Review status: criteria provided, single submitter. Criteria: Invitae Variant Classification Sherloc (09022015). Collection method: clinical testing. Allele origin: germline.
Comment: In summary, the available evidence is currently insufficient to determine the role of this variant in disease. Therefore, it has been classified as a Variant of Uncertain Significance. Algorithms developed to predict the effect of missense changes on protein structure and function are either unavailable or do not agree on the potential impact of this missense change (SIFT: "Deleterious"; PolyPhen-2: "Benign"; Align-GVGD: "Class C0"). ClinVar contains an entry for this variant (Variation ID: 1163338). This variant has not been reported in the literature in individuals affected with CD59-related conditions. This variant is present in population databases (rs146075291, gnomAD 0.01%). This sequence change replaces arginine, which is basic and polar, with cysteine, which is neutral and slightly polar, at codon 78 of the CD59 protein (p.Arg78Cys).

Mayo Clinic Laboratories, Mayo Clinic
Classification: Uncertain significance. Last evaluated: 2019-05-30. Review status: criteria provided, single submitter. Criteria: ACMG Guidelines, 2015. Collection method: clinical testing. Allele origin: germline. Observed: 1 variant allele.